The following is an entry in ClinVar:

NM_001130987.2(DYSF):c.1902C>A (p.Ser634Arg)

Gene: DYSF (dysferlin; plus strand). Cytogenetic location: 2p13.2.
Variant type: single nucleotide variant.
Coding change: c.1902C>A on transcript NM_001130987.2 (MANE Select); coding-DNA position 1902, C replaced by A.
Protein change: p.Ser634Arg; replaces serine 634 with arginine.
Molecular consequence: missense variant.
Genome position (GRCh38, 1-based): chr2:71,553,106, C>A. VCF-style: chr2-71553106-C-A. GRCh37 (hg19) VCF-style: chr2-71780236-C-A.
Other names: c.1851C>A, p.Ser617Arg (NM_001130455.2, NM_001130983.2); c.1806C>A, p.Ser602Arg (NM_001130976.2, NM_001130977.2); c.1848C>A, p.Ser616Arg (NM_001130978.2, NM_003494.4); c.1941C>A, p.Ser647Arg (NM_001130979.2); c.1899C>A, p.Ser633Arg (NM_001130980.2, NM_001130981.2); c.1944C>A, p.Ser648Arg (NM_001130982.2); c.1809C>A, p.Ser603Arg (NM_001130984.2, NM_001130986.2); c.1902C>A, p.Ser634Arg (NM_001130985.2); short protein forms S602R, S603R, S616R, S617R, S633R, S634R, S647R, S648R.
Identifiers: ClinVar variation 3241377 (VCV003241377.2), dbSNP rs1573943032.

ClinVar aggregate classification (germline): Conflicting classifications of pathogenicity. Review status: criteria provided, conflicting classifications (1 of 4 stars). 2 submissions from 2 submitters: Likely pathogenic (1); Uncertain significance (1). Last evaluated 2025-05-12.

Conditions:
Miyoshi muscular dystrophy 1 (MMD1). Identifiers: Orphanet 45448, MedGen C4551973, MONDO:0024545, OMIM 254130.

Submissions (2):

Women's Health and Genetics/Laboratory Corporation of America, LabCorp
Classification: Uncertain significance. Last evaluated: 2025-05-12. Review status: criteria provided, single submitter. Criteria: LabCorp Variant Classification Summary - May 2015. Collection method: clinical testing. Allele origin: germline.
Comment: Variant summary: DYSF c.1848C>A (p.Ser616Arg) results in a non-conservative amino acid change in the encoded protein sequence. Algorithms developed to predict the effect of missense changes on protein structure and function all suggest that this variant is likely to be disruptive. The variant was absent in 251468 control chromosomes. c.1848C>A has been observed in individual(s) affected with dysferlinopathy (Charnay_2021, Fernandez-Eulate_2021). These data indicate that the variant may be associated with disease. To our knowledge, no experimental evidence demonstrating an impact on protein function has been reported. The following publications have been ascertained in the context of this evaluation (PMID: 33927379, 33715265). ClinVar contains an entry for this variant (Variation ID: 3241377). Based on the evidence outlined above, the variant was classified as VUS-possibly pathogenic.

Baylor Genetics
Classification: Likely pathogenic for Miyoshi muscular dystrophy 1. Last evaluated: 2024-02-26. Review status: criteria provided, single submitter. Criteria: ACMG Guidelines, 2015. Collection method: clinical testing. Allele origin: unknown.

Literature cited by the submitters: PubMed 33927379 (cited by Women's Health and Genetics/Laboratory Corporation of America, LabCorp); PubMed 33715265 (cited by Women's Health and Genetics/Laboratory Corporation of America, LabCorp).